The following is an entry in ClinVar:

NM_000426.4(LAMA2):c.2462C>T (p.Thr821Met)

Gene: LAMA2 (laminin subunit alpha 2; plus strand). Cytogenetic location: 6q22.33.
Variant type: single nucleotide variant.
Coding change: c.2462C>T on transcript NM_000426.4 (MANE Select); coding-DNA position 2462, C replaced by T.
Protein change: p.Thr821Met; replaces threonine 821 with methionine.
Molecular consequence: missense variant.
Genome position (GRCh38, 1-based): chr6:129,280,072, C>T. VCF-style: chr6-129280072-C-T. GRCh37 (hg19) VCF-style: chr6-129601217-C-T.
Other names: p.T821M:ACG>ATG; p.Thr821Met; c.2462C>T, p.Thr821Met (NM_001079823.2); short protein forms T821M.
Identifiers: ClinVar variation 162584 (VCV000162584.71), dbSNP rs117422805, ClinGen allele CA295413.

ClinVar aggregate classification (germline): Conflicting classifications of pathogenicity. Review status: criteria provided, conflicting classifications (1 of 4 stars). 15 submissions from 15 submitters: Uncertain significance (5); Benign (1); Likely benign (7). 2 of the submissions do not count toward it. Last evaluated 2026-09-01.

Conditions:
LAMA2-related disorder. Also called: LAMA2-related disorders; LAMA2-related condition.
Muscular dystrophy, limb-girdle, autosomal recessive 23. Identifiers: Orphanet 565837, MedGen C4748327, MONDO:0029136, OMIM 618138.
Merosin deficient congenital muscular dystrophy (MDC1A). Also called: Congenital Muscular Dystrophy Type 1A (MDC1A); Congenital merosin-deficient muscular dystrophy 1A. Identifiers: Orphanet 258, MedGen C1263858, MONDO:0011925, OMIM 607855.
LAMA2-related muscular dystrophy (LAMA2-RD). Also called: Laminin alpha 2-related dystrophy. Identifiers: MedGen C5679788, MONDO:0100228.
Congenital muscular dystrophy due to partial LAMA2 deficiency. Identifiers: MedGen C1842898.
Intellectual disability. Also called: intellectual disabilities; Intellectual functioning disability; Intellectual developmental disorder. Identifiers: MedGen C3714756, MeSH D008607, MONDO:0001071, HP:0001249.

Allele frequency attached by ClinVar (database versions not stated): 1000 Genomes Project 30x 0.00062; 1000 Genomes Project 0.00080; TOPMed 0.00129; gnomAD 0.00169 and 0.00173; gnomAD exomes 0.00193; ExAC 0.00203; ESP Exome Variant Server 0.00238.
gnomAD v4.1: 3,712 of 1,612,224 alleles (0.23%); highest among the groups gnomAD compares: Non-Finnish European, 0.26%; 10 homozygotes.

Submissions (15):

CeGaT Center for Human Genetics Tuebingen
Classification: Likely benign. Last evaluated: 2026-09-01. Review status: criteria provided, single submitter. Criteria: CeGaT Center For Human Genetics Tuebingen Variant Classification Criteria Version 2. Collection method: clinical testing. Allele origin: germline. Affected: yes. Observed: 9 variant alleles.
Comment: LAMA2: PM5, BP4, BS2

Labcorp Genetics (formerly Invitae), Labcorp
Classification: Benign for LAMA2-related muscular dystrophy. Last evaluated: 2026-01-28. Review status: criteria provided, single submitter. Criteria: Invitae Variant Classification Sherloc (09022015). Collection method: clinical testing. Allele origin: germline.

PreventionGenetics, part of Exact Sciences
Classification: Likely benign for LAMA2-related condition. Last evaluated: 2025-08-07. Review status: criteria provided, single submitter. Criteria: ACMG Guidelines, 2015. Collection method: clinical testing. Allele origin: germline.
Comment: This variant is classified as likely benign based on ACMG/AMP sequence variant interpretation guidelines (Richards et al. 2015 PMID: 25741868, with internal and published modifications).

Mayo Clinic Laboratories, Mayo Clinic
Classification: Likely benign. Last evaluated: 2025-07-14. Review status: criteria provided, single submitter. Criteria: ACMG Guidelines, 2015. Collection method: clinical testing. Allele origin: germline. Observed: 14 variant alleles.

Blueprint Genetics
Classification: Likely benign. Last evaluated: 2024-11-25. Review status: criteria provided, single submitter. Criteria: ACMG Guidelines, 2015. Collection method: clinical testing. Allele origin: germline.

Fulgent Genetics
Classification: Uncertain significance for Merosin deficient congenital muscular dystrophy; Muscular dystrophy, limb-girdle, autosomal recessive 23. Last evaluated: 2024-06-18. Review status: criteria provided, single submitter. Criteria: ACMG Guidelines, 2015. Collection method: clinical testing. Allele origin: germline.

Revvity Omics, Revvity
Classification: Likely benign. Last evaluated: 2023-09-13. Review status: criteria provided, single submitter. Criteria: ACMG Guidelines, 2015. Collection method: clinical testing. Allele origin: germline.

Women's Health and Genetics/Laboratory Corporation of America, LabCorp
Classification: Likely benign. Last evaluated: 2022-06-29. Review status: criteria provided, single submitter. Criteria: LabCorp Variant Classification Summary - May 2015. Collection method: clinical testing. Allele origin: germline.
Comment: Variant summary: LAMA2 c.2462C>T (p.Thr821Met) results in a non-conservative amino acid change located in the EGF-like domain (IPR000742) of the encoded protein sequence. Four of five in-silico tools predict a damaging effect of the variant on protein function. The variant allele was found at a frequency of 0.002 in 282674 control chromosomes, predominantly at a frequency of 0.0036 within the Finnish subpopulation in the gnomAD database, including 1 homozygote. The observed variant frequency within Finnish control individuals in the gnomAD database is approximately two fold of the estimated maximal expected allele frequency for a pathogenic variant in LAMA2 causing Laminin Alpha 2-Related Dystrophy phenotype (0.0022), strongly suggesting that the variant is a benign polymorphism found primarily in populations of Finnish origin. c.2462C>T has been reported in the literature in at least two homozygous individuals affected with Laminin Alpha 2-Related Dystrophy (example Xiong_2015, Ge_2019, Tan_2021). However, these reports do not provide unequivocal evidence for an association of the variant with disease. To our knowledge, no experimental evidence demonstrating an impact on protein function has been reported. Eight clinical-significance assessments for this variant have been submitted to ClinVar after 2014 with conflicting assessments (VUS n=5, likely benign n=2, benign n=1). Based on the evidence outlined above, the variant was classified as likely benign.

Department of Pathology and Laboratory Medicine, Sinai Health System
Classification: Uncertain significance for Merosin deficient congenital muscular dystrophy; Muscular dystrophy, limb-girdle, autosomal recessive 23. Last evaluated: 2021-10-27. Review status: criteria provided, single submitter. Criteria: ACMG Guidelines, 2015. Collection method: research. Allele origin: germline.

GeneDx
Classification: Likely benign. Last evaluated: 2020-04-03. Review status: criteria provided, single submitter. Criteria: GeneDx Variant Classification Process June 2021. Collection method: clinical testing. Allele origin: germline. Affected: yes.
Comment: This variant is associated with the following publications: (PMID: 24611677, 24082139, 27896284, 23891399)

Illumina Laboratory Services, Illumina
Classification: Uncertain significance for Congenital muscular dystrophy due to partial LAMA2 deficiency. Last evaluated: 2017-04-27. Review status: criteria provided, single submitter. Criteria: ICSL Variant Classification Criteria 13 December 2019. Collection method: clinical testing. Allele origin: germline.
Comment: This variant was observed as part of a predisposition screen in an ostensibly healthy population. A literature search was performed for the gene, cDNA change, and amino acid change (where applicable). Publications were found based on this search. However, the evidence from the literature, in combination with allele frequency data from public databases where available, was not sufficient to rule this variant in or out of causing disease. Therefore, this variant is classified as a variant of unknown significance.

Genetic Services Laboratory, University of Chicago
Classification: Uncertain significance. Last evaluated: 2016-09-24. Review status: criteria provided, single submitter. Criteria: ACMG Guidelines, 2015. Collection method: clinical testing. Allele origin: germline. Affected: no.

Eurofins Ntd Llc (ga)
Classification: Uncertain significance. Last evaluated: 2015-06-22. Review status: criteria provided, single submitter. Criteria: EGL Classification Definitions 2015. Collection method: clinical testing. Allele origin: germline. Observed: 3 variant alleles, 3 heterozygotes.

Centre de Biologie Pathologie Génétique, Centre Hospitalier Universitaire de Lille
Classification: Likely benign for Intellectual disability. Last evaluated: 2019-01-01. Review status: no assertion criteria provided. Collection method: clinical testing. Allele origin: inherited. Affected: yes. Not counted in ClinVar's aggregate classification.

Counsyl
Classification: Uncertain significance for Merosin deficient congenital muscular dystrophy. Last evaluated: 2017-11-25. Review status: no assertion criteria provided. Collection method: clinical testing. Allele origin: unknown. Not counted in ClinVar's aggregate classification.

Literature cited by the submitters: PubMed 24082139 (cited by 4 submitters); PubMed 24611677 (cited by 5 submitters); PubMed 27896284 (cited by Mayo Clinic Laboratories, Mayo Clinic and Counsyl); PubMed 31395899 (cited by Mayo Clinic Laboratories, Mayo Clinic and Women's Health and Genetics/Laboratory Corporation of America, LabCorp); PubMed 33442022 (cited by Mayo Clinic Laboratories, Mayo Clinic and Women's Health and Genetics/Laboratory Corporation of America, LabCorp); PubMed 34281576 (cited by Mayo Clinic Laboratories, Mayo Clinic and Women's Health and Genetics/Laboratory Corporation of America, LabCorp); PubMed 31066047 (cited by Women's Health and Genetics/Laboratory Corporation of America, LabCorp).